The following is an entry in ClinVar:

NM_021096.4(CACNA1I):c.1000del (p.His334fs)

Gene: CACNA1I (calcium voltage-gated channel subunit alpha1 I; plus strand). Cytogenetic location: 22q13.1.
Variant type: Deletion.
Coding change: c.1000del on transcript NM_021096.4 (MANE Select); coding-DNA position 1000, one base deleted (C; older notation c.1000delC).
Protein change: p.His334fs; shifts the reading frame from histidine 334.
Molecular consequence: frameshift variant.
Genome position (GRCh38, 1-based): chr22:39,641,126, C deleted; the last of 5 consecutive C bases (chr22:39,641,122-39,641,126); deleting any one gives the same sequence. VCF-style (leftmost placement, unchanged base first): chr22-39641121-AC-A. GRCh37 (hg19) VCF-style: chr22-40037126-AC-A.
Other names: c.1000del, p.His334fs (NM_001003406.2); short protein forms H334fs.
Identifiers: ClinVar variation 3364300 (VCV003364300.1).
Genomic context (GRCh38, chr22:39,641,121, plus strand): 5'-CCAGCGGCCTCTGTGTCAACTGGAACCGTTACTACAATGTGTGCCGCACGGGCAGCGCCA[AC>A]CCCCACAAGGGTGCCATCAACTTTGACAACATCGGTTATGCTTGGATTGTCATCTTCCAG-3'

ClinVar aggregate classification (germline): Uncertain significance (1 of 4 stars; one submission).

Submission:

GeneDx
Classification: Uncertain significance. Last evaluated: 2023-11-15. Review status: criteria provided, single submitter. Criteria: GeneDx Variant Classification Process June 2021. Collection method: clinical testing. Allele origin: germline. Affected: yes.
Comment: Frameshift variant predicted to result in protein truncation or nonsense mediated decay in a gene or region of a gene for which loss of function is not a well-established mechanism of disease; Not observed at significant frequency in large population cohorts (gnomAD); Has not been previously published as pathogenic or benign to our knowledge